The following is an entry in ClinVar:

ClinVar aggregate classification (germline): Conflicting classifications of pathogenicity. Review status: criteria provided, conflicting classifications (1 of 4 stars). 3 submissions from 3 submitters: Likely pathogenic (2); Uncertain significance (1). Last evaluated 2026-01-24.

Allele frequency attached by ClinVar (database versions not stated): gnomAD exomes 0.00003 and 0.00009; gnomAD 0.00004 and 0.00003; ExAC 0.00006; TOPMed 0.00007; ESP Exome Variant Server 0.00008.

Submissions (3):

GeneDx
Classification: Uncertain significance. Last evaluated: 2026-01-24. Review status: criteria provided, single submitter. Criteria: GeneDx Variant Classification Process June 2021. Collection method: clinical testing. Allele origin: germline. Affected: yes.
Comment: Reported in the published literature in probands with hypotrichosis who also harbor additional missense variants in the LSS gene (PMID: 31322293, 35689498, 41442087); In silico analysis supports that this missense variant has a deleterious effect on protein structure/function; Also known as p.(Gly352Arg); This variant is associated with the following publications: (PMID: 36811447, 35689498, 31322293, 41442087)

Dasa
Classification: Likely pathogenic. Last evaluated: 2025-09-12. Review status: criteria provided, single submitter. Criteria: DASA Assertion Criteria. Collection method: clinical testing. Allele origin: germline.
Comment: NM_002340.6(LSS):c.1054G>A (p.Gly352Arg) is a missense variant that results in the substitution of glycine with arginine. Segregation data support an association with disease in the reported family/families (PMID: 31322293; PMID: 35689498). This variant has been recurrently observed in individuals with LSS-related disorders (PMID: 31322293; PMID: 35689498). Also, this variant is rare in population databases. Based on the currently available evidence, this variant is classified as likely pathogenic.

Labcorp Genetics (formerly Invitae), Labcorp
Classification: Likely pathogenic. Last evaluated: 2021-08-14. Review status: criteria provided, single submitter. Criteria: Invitae Variant Classification Sherloc (09022015). Collection method: clinical testing. Allele origin: germline.

Literature cited by the submitters: PubMed 31322293 (cited by Dasa); PubMed 35689498 (cited by Dasa).

NM_002340.6(LSS):c.1054G>A (p.Gly352Arg)

Gene: LSS (lanosterol synthase; minus strand). Cytogenetic location: 21q22.3.
Variant type: single nucleotide variant.
Coding change: c.1054G>A on transcript NM_002340.6 (MANE Select); coding-DNA position 1054, G replaced by A.
Protein change: p.Gly352Arg; replaces glycine 352 with arginine.
Molecular consequence: missense variant.
Genome position (GRCh38, 1-based): chr21:46,213,793, C>T on the plus strand (G>A on the coding strand, the complement: LSS is on the minus strand). VCF-style: chr21-46213793-C-T. GRCh37 (hg19) VCF-style: chr21-47633707-C-T.
Other names: c.1054G>A, p.Gly352Arg (NM_001001438.3); c.1021G>A, p.Gly341Arg (NM_001145436.2); c.814G>A, p.Gly272Arg (NM_001145437.2); short protein forms G272R, G341R, G352R.
Identifiers: ClinVar variation 1306750 (VCV001306750.8), dbSNP rs373046759, ClinGen allele CA10075194.